The following is an entry in ClinVar:

NM_000444.6(PHEX):c.1769-2A>G

Genes: PHEX (phosphate regulating endopeptidase X-linked; plus strand), PTCHD1-AS (PTCHD1 and PHEX antisense RNA; minus strand). Cytogenetic location: Xp22.11.
Variant type: single nucleotide variant.
Coding change: c.1769-2A>G on transcript NM_000444.6 (MANE Select); the canonical splice acceptor site of the intron before coding-DNA position 1769, A replaced by G.
Molecular consequence: splice acceptor variant.
Genome position (GRCh38, 1-based): chrX:22,221,611, A>G. VCF-style: chrX-22221611-A-G. GRCh37 (hg19) VCF-style: chrX-22239728-A-G.
Other names: c.1769-2A>G (NM_001282754.2).
Identifiers: ClinVar variation 1460420 (VCV001460420.8), dbSNP rs2147174336, ClinGen allele CA412573407.

ClinVar aggregate classification (germline): Pathogenic (1 of 4 stars; one submission).

Allele frequency attached by ClinVar (database versions not stated): gnomAD exomes below 0.00001.
gnomAD v4.1: 1 of 1,197,343 alleles (0.000084%); highest among the groups gnomAD compares: Non-Finnish European, 0.00011%; no homozygotes.

Submission:

Labcorp Genetics (formerly Invitae), Labcorp
Classification: Pathogenic. Last evaluated: 2025-09-04. Review status: criteria provided, single submitter. Criteria: Invitae Variant Classification Sherloc (09022015). Collection method: clinical testing. Allele origin: germline.
Comment: This sequence change affects an acceptor splice site in intron 17 of the PHEX gene. It is expected to disrupt RNA splicing. Variants that disrupt the donor or acceptor splice site typically lead to a loss of protein function (PMID: 16199547), and loss-of-function variants in PHEX are known to be pathogenic (PMID: 9097956, 9106524, 19219621). This variant is not present in population databases (gnomAD no frequency). Disruption of this splice site has been observed in individual(s) with hypophosphatemia (PMID: 32257293). It has also been observed to segregate with disease in related individuals. ClinVar contains an entry for this variant (Variation ID: 1460420). Algorithms developed to predict the effect of sequence changes on RNA splicing suggest that this variant may disrupt the consensus splice site. For these reasons, this variant has been classified as Pathogenic.

Literature cited by the submitters: PubMed 16199547; PubMed 9097956; PubMed 9106524; PubMed 19219621; PubMed 32257293.